The following is an entry in ClinVar:

ClinVar aggregate classification (germline): Uncertain significance. Review status: criteria provided, multiple submitters, no conflicts (2 of 4 stars). 5 submissions from 5 submitters: Uncertain significance (5). Last evaluated 2025-03-26.

Conditions:
Maturity-onset diabetes of the young type 4 (MODY4). Also called: Maturity-onset diabetes of the young, type IV; MODY, type IV. Identifiers: Orphanet 552, MedGen C1833382, MONDO:0011667, OMIM 606392.
Pancreatic agenesis 1 (PAGEN1). Also called: PANCREATIC HYPOPLASIA, CONGENITAL. Identifiers: Orphanet 2805, MedGen C3891828, MONDO:0024547, OMIM 260370.
Type 2 diabetes mellitus. Also called: Type II diabetes mellitus. Identifiers: MedGen C0011860, MeSH D003924, MONDO:0005148, OMIM 125853, HP:0005978.
PDX1-related disorder. Also called: PDX1-related condition; PDX1-related disorders.

Allele frequency attached by ClinVar (database versions not stated): 1000 Genomes Project 30x 0.00031.

Submissions (5):

PreventionGenetics, part of Exact Sciences
Classification: Uncertain significance for PDX1-related condition. Last evaluated: 2025-03-26. Review status: criteria provided, single submitter. Criteria: ACMG Guidelines, 2015. Collection method: clinical testing. Allele origin: germline.
Comment: The PDX1 c.97C>T variant is predicted to result in the amino acid substitution p.Pro33Ser. This variant has been reported in individuals with diabetes; however, it has also been detected in individuals without diabetes (eTable 1, Billings et al. 2022. PubMed ID: 36208030). It has also been reported in individuals tested with dyslipidemia panels, but few phenotypic details are provided (Table S4, Dron et al. 2020. PubMed ID: 32041611; Aloi et al. 2023. PubMed ID: 37240725). This variant is reported in 0.0098% of alleles in individuals of European (non-Finnish) descent in gnomAD. At this time, the clinical significance of this variant is uncertain due to the absence of conclusive functional and genetic evidence.

Fulgent Genetics
Classification: Uncertain significance for Type 2 diabetes mellitus; Pancreatic agenesis 1; Maturity-onset diabetes of the young type 4. Last evaluated: 2024-03-28. Review status: criteria provided, single submitter. Criteria: ACMG Guidelines, 2015. Collection method: clinical testing. Allele origin: germline.

Blueprint Genetics
Classification: Uncertain significance. Last evaluated: 2023-10-23. Review status: criteria provided, single submitter. Criteria: ACMG Guidelines, 2015. Collection method: clinical testing. Allele origin: germline.

Women's Health and Genetics/Laboratory Corporation of America, LabCorp
Classification: Uncertain significance. Last evaluated: 2023-08-30. Review status: criteria provided, single submitter. Criteria: LabCorp Variant Classification Summary - May 2015. Collection method: clinical testing. Allele origin: germline.
Comment: Variant summary: PDX1 c.97C>T (p.Pro33Ser) results in a non-conservative amino acid change in the encoded protein sequence. Five of five in-silico tools predict a damaging effect of the variant on protein function. The variant allele was found at a frequency of 5.6e-05 in 142222 control chromosomes (gnomAD). The available data on variant occurrences in the general population are insufficient to allow any conclusion about variant significance. c.97C>T has been reported in the literature in a study examining a large cohort of individuals from the UK Biobank, where it was found in both individuals with a diagnosis of diabetes and in individuals without a diabetes diagnosis (Billings_2022). However, it was not determined/specified whether these affected individuals had any indications suggesting a diagnosis of Monogenic Diabetes or Maturity Onset Diabetes Of The Young (MODY) more specifically, and those without a diagnosis were not clinically examined as part of the study to rule out the potential for cases going undiagnosed. Therefore, this report does not provide unequivocal conclusions about association of the variant with disease. To our knowledge, no experimental evidence demonstrating an impact on protein function has been reported. The following publications have been ascertained in the context of this evaluation (PMID: 36208030, 32041611). One submitter has cited a clinical-significance assessment for this variant to ClinVar after 2014 and has classified the variant as uncertain significance. Based on the evidence outlined above, the variant was classified as uncertain significance.

Labcorp Genetics (formerly Invitae), Labcorp
Classification: Uncertain significance. Last evaluated: 2022-05-24. Review status: criteria provided, single submitter. Criteria: Invitae Variant Classification Sherloc (09022015). Collection method: clinical testing. Allele origin: germline.
Comment: In summary, the available evidence is currently insufficient to determine the role of this variant in disease. Therefore, it has been classified as a Variant of Uncertain Significance. Advanced modeling of protein sequence and biophysical properties (such as structural, functional, and spatial information, amino acid conservation, physicochemical variation, residue mobility, and thermodynamic stability) performed at Invitae indicates that this missense variant is expected to disrupt PDX1 protein function. This variant has not been reported in the literature in individuals affected with PDX1-related conditions. This variant is present in population databases (rs192902098, gnomAD 0.008%). This sequence change replaces proline, which is neutral and non-polar, with serine, which is neutral and polar, at codon 33 of the PDX1 protein (p.Pro33Ser).

Literature cited by the submitters: PubMed 32041611 (cited by Women's Health and Genetics/Laboratory Corporation of America, LabCorp); PubMed 36208030 (cited by Women's Health and Genetics/Laboratory Corporation of America, LabCorp).

NM_000209.4(PDX1):c.97C>T (p.Pro33Ser)

Gene: PDX1 (pancreatic and duodenal homeobox 1; plus strand). Cytogenetic location: 13q12.2.
Variant type: single nucleotide variant.
Coding change: c.97C>T on transcript NM_000209.4 (MANE Select); coding-DNA position 97, C replaced by T.
Protein change: p.Pro33Ser; replaces proline 33 with serine.
Molecular consequence: missense variant.
Genome position (GRCh38, 1-based): chr13:27,920,235, C>T. VCF-style: chr13-27920235-C-T. GRCh37 (hg19) VCF-style: chr13-28494372-C-T.
Other names: c.97C>T (NM_000209.3); short protein forms P33S.
Identifiers: ClinVar variation 1898245 (VCV001898245.9), dbSNP rs192902098, ClinGen allele CA6927580.
Genomic context (GRCh38, chr13:27,920,235, plus strand): 5'-CTTTACAAGGACCCATGCGCGTTCCAGCGAGGCCCGGCGCCGGAGTTCAGCGCCAGCCCC[C>T]CTGCGTGCCTGTACATGGGCCGCCAGCCCCCGCCGCCGCCGCCGCACCCGTTCCCTGGCG-3'
Protein context (NP_000200.1, residues 23-43): GPAPEFSASP[Pro33Ser]ACLYMGRQPP